The following is an entry in ClinVar:

ClinVar aggregate classification (germline): Pathogenic (0 of 4 stars; one submission).

Conditions:
Malignant tumor of breast. Also called: Malignant breast neoplasm; Cancer breast. Identifiers: MedGen C0006142, MONDO:0007254. Disease mechanism: loss of function.

Submission:

Department of Pathology and Laboratory Medicine, Sinai Health System
Classification: Pathogenic for Malignant tumor of breast. Review status: no assertion criteria provided. Collection method: clinical testing. Allele origin: unknown. Affected: yes. Study: The Canadian Open Genetics Repository (COGR).
Comment: The BRCA1 p.Lys943* variant was not identified in the literature nor was it identified in the dbSNP, ClinVar, LOVD 3.0, or UMD-LSDB databases. The variant was not identified in the following control databases: the Exome Aggregation Consortium (August 8th 2016), or the Genome Aggregation Database (Feb 27, 2017). The c.2827A>T variant leads to a premature stop codon at position 943, which is predicted to lead to a truncated or absent protein and loss of function. Loss of function variants of the BRCA1 gene are an established mechanism of disease in BRCA1 associated cancers and is the type of variant expected to cause the disorder. In summary, based on the above information this variant meets our laboratoryâ€šÃ„Ã´s criteria to be classified as pathogenic.

NM_007294.4(BRCA1):c.2827A>T (p.Lys943Ter)

Gene: BRCA1 (BRCA1 DNA repair associated; minus strand). Cytogenetic location: 17q21.31.
Variant type: single nucleotide variant.
Coding change: c.2827A>T on transcript NM_007294.4 (MANE Select); coding-DNA position 2827, A replaced by T.
Protein change: p.Lys943Ter; replaces lysine 943 with a stop codon.
Molecular consequence: nonsense. On other transcripts: intron variant (137).
Genome position (GRCh38, 1-based): chr17:43,092,704, T>A on the plus strand (A>T on the coding strand, the complement: BRCA1 is on the minus strand). VCF-style: chr17-43092704-T-A. GRCh37 (hg19) VCF-style: chr17-41244721-T-A.
Other names: c.2614A>T, p.Lys872Ter (NM_001407571.1, NM_001407895.1, NM_001407896.1 and 9 more transcripts); c.2827A>T, p.Lys943Ter (NM_001407581.1, NM_001407582.1, NM_001407583.1 and 30 more transcripts); c.2824A>T, p.Lys942Ter (NM_001407587.1, NM_001407590.1, NM_001407591.1 and 22 more transcripts); c.2749A>T, p.Lys917Ter (NM_001407658.1, NM_001407663.1, NM_001407653.1 and 4 more transcripts); c.2746A>T, p.Lys916Ter (NM_001407659.1, NM_001407660.1, NM_001407661.1 and 1 more transcripts); c.2704A>T, p.Lys902Ter (NM_001407664.1, NM_001407665.1, NM_001407666.1 and 19 more transcripts); c.2701A>T, p.Lys901Ter (NM_001407685.1, NM_001407940.1, NM_001407941.1 and 11 more transcripts); c.2686A>T, p.Lys896Ter (NM_001407697.1, NM_001407698.1, NM_001407724.1 and 29 more transcripts); and 41 more; short protein forms K896*, K943*, K854*, K872*, K873*, K876*, K916*, K917*.
Identifiers: ClinVar variation 1049514 (VCV001049514.2), dbSNP rs2154357524, ClinGen allele CA10596336.